The following is an entry in ClinVar:

NM_006648.4(WNK2):c.3739A>T (p.Ile1247Phe)

Gene: WNK2 (WNK lysine deficient protein kinase 2; plus strand). Cytogenetic location: 9q22.31.
Variant type: single nucleotide variant.
Coding change: c.3739A>T on transcript NM_006648.4 (MANE Select); coding-DNA position 3739, A replaced by T.
Protein change: p.Ile1247Phe; replaces isoleucine 1247 with phenylalanine.
Molecular consequence: missense variant.
Genome position (GRCh38, 1-based): chr9:93,267,788, A>T. VCF-style: chr9-93267788-A-T. GRCh37 (hg19) VCF-style: chr9-96030070-A-T.
Other names: c.3739A>T, p.Ile1247Phe (NM_001282394.3); short protein forms I1247F.
Identifiers: ClinVar variation 4201623 (VCV004201623.1).

ClinVar aggregate classification (germline): Uncertain significance (1 of 4 stars; one submission).

gnomAD v4.1: 2 of 1,610,864 alleles (0.00012%); highest among the groups gnomAD compares: Non-Finnish European, 0.00017%; no homozygotes.

Submission:

Ambry Genetics
Classification: Uncertain significance. Last evaluated: 2025-07-14. Review status: criteria provided, single submitter. Criteria: Ambry Variant Classification Scheme 2023. Collection method: clinical testing. Allele origin: germline.
Comment: The p.I1247F variant (also known as c.3739A>T), located in coding exon 16 of the WNK2 gene, results from an A to T substitution at nucleotide position 3739. The isoleucine at codon 1247 is replaced by phenylalanine, an amino acid with highly similar properties. This amino acid position is conserved. In addition, the in silico prediction for this alteration is inconclusive. Based on the available evidence, the clinical significance of this variant remains unclear.